The following is an entry in ClinVar:

NM_000492.4(CFTR):c.4091C>T (p.Ala1364Val)

Gene: CFTR (CF transmembrane conductance regulator; plus strand). Cytogenetic location: 7q31.2.
Variant type: single nucleotide variant.
Coding change: c.4091C>T on transcript NM_000492.4 (MANE Select); coding-DNA position 4091, C replaced by T.
Protein change: p.Ala1364Val; replaces alanine 1364 with valine.
Molecular consequence: missense variant.
Genome position (GRCh38, 1-based): chr7:117,664,815, C>T. VCF-style: chr7-117664815-C-T. GRCh37 (hg19) VCF-style: chr7-117304869-C-T.
Other names: short protein forms A1364V.
Identifiers: ClinVar variation 53885 (VCV000053885.30), dbSNP rs397508670, ClinGen allele CA327395.

ClinVar aggregate classification (germline): Conflicting classifications of pathogenicity. Review status: criteria provided, conflicting classifications (1 of 4 stars). 12 submissions from 12 submitters: Likely pathogenic (1); Uncertain significance (7). 4 of the submissions do not count toward it. Last evaluated 2026-03-30.

Conditions:
CFTR-related disorder (CFTR-RD). Also called: CFTR-related condition; CFTR-related disorders. Identifiers: MedGen C5924204, MONDO:7770004.
Hereditary pancreatitis (PCTT). Also called: PRSS1-Related Hereditary Pancreatitis; Hereditary chronic pancreatitis. Identifiers: Orphanet 676, MedGen C0238339, MONDO:0008185, OMIM 167800.
Cystic fibrosis (CF). Also called: MUCOVISCIDOSIS. Identifiers: Orphanet 586, MedGen C0010674, MONDO:0009061, OMIM 219700. Disease mechanism: loss of function.

Allele frequency attached by ClinVar (database versions not stated): ExAC 0.00002; gnomAD exomes 0.00002 and 0.00004; TOPMed 0.00002; gnomAD 0.00003.
gnomAD v4.1: 29 of 1,613,954 alleles (0.0018%); highest among the groups gnomAD compares: Middle Eastern, 0.083%; no homozygotes.

Submissions (12):

Women's Health and Genetics/Laboratory Corporation of America, LabCorp
Classification: Uncertain significance. Last evaluated: 2026-03-30. Review status: criteria provided, single submitter. Criteria: LabCorp Variant Classification Summary - May 2015. Collection method: clinical testing. Allele origin: germline.
Comment: Variant summary: CFTR c.4091C>T (p.Ala1364Val) results in a non-conservative amino acid change located in the ABC transporter-like, ATP-binding domain (IPR003439) of the encoded protein sequence. Algorithms developed to predict the effect of missense changes on protein structure and function all suggest that this variant is likely to be disruptive. The variant allele was found at a frequency of 3.9e-05 in 255050 control chromosomes. This frequency is not significantly higher than estimated for a pathogenic variant in CFTR causing Cystic Fibrosis (3.9e-05 vs 0.013), allowing no conclusion about variant significance. c.4091C>T has been reported in the literature as a compound heterozygous genotype with p.F508del in at-least two individuals affected with CAVD (example, deMeeus_1997, Vaseghi_2024) or in the absense of a second variant (example, Luo_2021). It has also been reported in heterozygote inviduals affected with pancreatitis (example, Keiles_2006) or with a CF-like disorder associated with AGR2 mutations, in which the patient had a negative sweat chloride test (Bertolli-Avella_2022). These data indicate that the variant may be associated with disease. At least one publication reports experimental evidence evaluating an impact on protein function. These results showed no damaging effect of this variant (Bergougnoux_2023). The following publications have been ascertained in the context of this evaluation (PMID: 36567205, 34952832, 34740355, 11504857, 20059485, 35913788, 17003641, 22483971, 25880441, 32777524, 25735457, 21520337, 38278869, 26277102, 10200050). ClinVar contains an entry for this variant (Variation ID: 53885). Based on the evidence outlined above, the variant was classified as VUS-possibly pathogenic.

Labcorp Genetics (formerly Invitae), Labcorp
Classification: Likely pathogenic for Cystic fibrosis. Last evaluated: 2026-01-19. Review status: criteria provided, single submitter. Criteria: Invitae Variant Classification Sherloc (09022015). Collection method: clinical testing. Allele origin: germline.
Comment: This sequence change replaces alanine, which is neutral and non-polar, with valine, which is neutral and non-polar, at codon 1364 of the CFTR protein (p.Ala1364Val). This variant is present in population databases (rs397508670, gnomAD 0.02%). This missense change has been observed in individuals with congenital bilateral absence of vas deferens and/or pancreatitis (PMID: 10200050, 32777524, 38278869). ClinVar contains an entry for this variant (Variation ID: 53885). Invitae Evidence Modeling of protein sequence and biophysical properties (such as structural, functional, and spatial information, amino acid conservation, physicochemical variation, residue mobility, and thermodynamic stability) indicates that this missense variant is expected to disrupt CFTR protein function with a positive predictive value of 80%. Experimental studies have shown that this missense change does not substantially affect CFTR function (PMID: 36567205). In summary, the currently available evidence indicates that the variant is pathogenic, but additional data are needed to prove that conclusively. Therefore, this variant has been classified as Likely Pathogenic.

Blueprint Genetics
Classification: Uncertain significance. Last evaluated: 2024-08-26. Review status: criteria provided, single submitter. Criteria: ACMG Guidelines, 2015. Collection method: clinical testing. Allele origin: germline.

ARUP Laboratories, Molecular Genetics and Genomics, ARUP Laboratories
Classification: Uncertain significance. Last evaluated: 2023-06-13. Review status: criteria provided, single submitter. Criteria: ARUP Molecular Germline Variant Investigation Process 2024. Collection method: clinical testing. Allele origin: germline.
Comment: The CFTR c.4091C>T; p.Ala1364Val variant (rs397508670) is reported in the literature in two individuals affected with CBAVD co-occurring with another pathogenic CFTR variant (de Meeus 1998, Luo 2021). In addition, this variant had been reported as heterozygous in an individual with pancreatitis (Keiles 2006). This variant is also reported in ClinVar (Variation ID: 53885). This variant is found in the general population with an allele frequency of 0.004% (9/251250 alleles) in the Genome Aggregation Database. The alanine at codon 1364 is highly conserved, and computational analyses predict that this variant is deleterious (REVEL: 0.754). However, given the lack of clinical and functional data, the significance of the p.Ala1364Val variant is uncertain at this time. References: de Meeus A et al. Genetic findings in congenital bilateral aplasia of vas deferens patients and identification of six novel mutatations. Mutations in brief no. 138. Online. Hum Mutat. 1998;11(6):480. PMID: 10200050. Keiles S et al. Identification of CFTR, PRSS1, and SPINK1 mutations in 381 patients with pancreatitis. Pancreas. 2006 Oct;33(3):221-7. PMID: 17003641. Luo S et al. Mutation analysis of the cystic fibrosis transmembrane conductance regulator gene in Chinese congenital absence of vas deferens patients. Gene. 2021 Jan 10;765:145045. PMID: 32777524.

Ambry Genetics
Classification: Uncertain significance for Cystic fibrosis. Last evaluated: 2022-12-05. Review status: criteria provided, single submitter. Criteria: Ambry Variant Classification Scheme 2023. Collection method: clinical testing. Allele origin: germline.
Comment: The p.A1364V variant (also known as c.4091C>T), located in coding exon 25 of the CFTR gene, results from a C to T substitution at nucleotide position 4091. The alanine at codon 1364 is replaced by valine, an amino acid with similar properties. This variant was reported in conjunction with p.F508del in an individual with congenital absence of the vas deferens (CBAVD) (de Meeus A et al. Hum. Mutat., 1998;11:480). This amino acid position is highly conserved in available vertebrate species. In addition, this alteration is predicted to be deleterious by in silico analysis. Based on available evidence to date, the clinical significance of this alteration remains unclear.

Mayo Clinic Laboratories, Mayo Clinic
Classification: Uncertain significance. Last evaluated: 2022-04-20. Review status: criteria provided, single submitter. Criteria: ACMG Guidelines, 2015. Collection method: clinical testing. Allele origin: germline. Observed: 1 variant allele.
Comment: PP3, PM2

Genome-Nilou Lab
Classification: Uncertain significance for Cystic fibrosis. Last evaluated: 2021-09-05. Review status: criteria provided, single submitter. Criteria: ACMG Guidelines, 2015. Collection method: clinical testing. Allele origin: germline. Affected: no.

Department of Genetics, Sultan Qaboos University Hospital
Classification: Uncertain significance for Hereditary pancreatitis. Last evaluated: 2017-12-30. Review status: criteria provided, single submitter. Criteria: ACMG Guidelines, 2015. Collection method: curation. Allele origin: unknown. Affected: yes.

PreventionGenetics, part of Exact Sciences
Classification: Uncertain significance for CFTR-related condition. Last evaluated: 2024-06-26. Review status: no assertion criteria provided. Collection method: clinical testing. Allele origin: germline. Not counted in ClinVar's aggregate classification.
Comment: The CFTR c.4091C>T variant is predicted to result in the amino acid substitution p.Ala1364Val. This variant is predicted to generate a cryptic splicing donor site based on available splicing prediction programs (Alamut Visual Plus v1.6.1). However, the use of computer prediction programs is not equivalent to functional evidence. This variant has been reported in the heterozygous state in multiple individuals with congenital absence of vas deferens, and in one individual was reported along with a p.Phe508del variant (de Meeus et al. 1997. PubMed ID: 10200050; Supporting Table S5, Steiner et al. 2011. PubMed ID: 21520337; Table 1, Luo et al. 2020. PubMed ID: 32777524). This variant has also been reported in the heterozygous state in an individual with pancreatitis (Table 2, Keiles et al. 2006. PubMed ID: 17003641). This variant is reported in 0.017% of alleles in individuals of Latino descent in gnomAD. At this time, the clinical significance of this variant is uncertain due to the absence of conclusive functional and genetic evidence.

Natera, Inc.
Classification: Uncertain significance for Cystic Fibrosis. Last evaluated: 2020-09-16. Review status: no assertion criteria provided. Collection method: clinical testing. Allele origin: germline. Not counted in ClinVar's aggregate classification.

Counsyl
Classification: Uncertain significance for Cystic fibrosis. Last evaluated: 2017-12-04. Review status: no assertion criteria provided. Collection method: clinical testing. Allele origin: unknown. Not counted in ClinVar's aggregate classification.

ClinVar Staff, National Center for Biotechnology Information (NCBI)
No classification provided. Condition: CFTR-related disorders. Review status: no classification provided. Collection method: literature only. Allele origin: germline. Affected: yes. Not counted in ClinVar's aggregate classification.

Literature cited by the submitters: PubMed 17003641 (cited by Women's Health and Genetics/Laboratory Corporation of America, LabCorp and Mayo Clinic Laboratories, Mayo Clinic); PubMed 20059485 (cited by 3 submitters); PubMed 21520337 (cited by Women's Health and Genetics/Laboratory Corporation of America, LabCorp and Mayo Clinic Laboratories, Mayo Clinic); PubMed 22483971 (cited by Women's Health and Genetics/Laboratory Corporation of America, LabCorp and Mayo Clinic Laboratories, Mayo Clinic); PubMed 11504857 (cited by Women's Health and Genetics/Laboratory Corporation of America, LabCorp); PubMed 10200050 (cited by 4 submitters); PubMed 25735457 (cited by Women's Health and Genetics/Laboratory Corporation of America, LabCorp and Mayo Clinic Laboratories, Mayo Clinic); PubMed 25880441 (cited by Women's Health and Genetics/Laboratory Corporation of America, LabCorp and Mayo Clinic Laboratories, Mayo Clinic); PubMed 26277102 (cited by Women's Health and Genetics/Laboratory Corporation of America, LabCorp and Mayo Clinic Laboratories, Mayo Clinic); PubMed 32777524 (cited by 3 submitters); PubMed 35913788 (cited by Women's Health and Genetics/Laboratory Corporation of America, LabCorp); PubMed 34740355 (cited by Women's Health and Genetics/Laboratory Corporation of America, LabCorp); PubMed 34952832 (cited by Women's Health and Genetics/Laboratory Corporation of America, LabCorp); PubMed 36567205 (cited by Women's Health and Genetics/Laboratory Corporation of America, LabCorp and Labcorp Genetics (formerly Invitae), Labcorp); PubMed 38278869 (cited by Women's Health and Genetics/Laboratory Corporation of America, LabCorp and Labcorp Genetics (formerly Invitae), Labcorp); PubMed 40065563 (cited by Women's Health and Genetics/Laboratory Corporation of America, LabCorp); PubMed 32734384 (cited by Mayo Clinic Laboratories, Mayo Clinic).